The following is an entry in ClinVar:

ClinVar aggregate classification (germline): Uncertain significance. Review status: criteria provided, multiple submitters, no conflicts (2 of 4 stars). 2 submissions from 2 submitters: Uncertain significance (2). Last evaluated 2025-11-19.

Conditions:
Hereditary cancer-predisposing syndrome. Also called: Hereditary neoplastic syndrome; Hereditary Cancer Syndrome; Neoplastic Syndromes, Hereditary; Tumor predisposition. Identifiers: Orphanet 140162, MedGen C0027672, MeSH D009386, MONDO:0015356.
Familial adenomatous polyposis 1 (FAP1). Also called: POLYPOSIS, ADENOMATOUS INTESTINAL; FAMILIAL ADENOMATOUS POLYPOSIS 1, ATTENUATED. Identifiers: MedGen C2713442, MONDO:0021056, OMIM 175100. Disease mechanism: loss of function.

Submissions (2):

Ambry Genetics
Classification: Uncertain significance for Hereditary cancer-predisposing syndrome. Last evaluated: 2025-11-19. Review status: criteria provided, single submitter. Criteria: Ambry Variant Classification Scheme 2023. Collection method: clinical testing. Allele origin: germline.
Comment: The p.G1312V variant (also known as c.3935G>T), located in coding exon 15 of the APC gene, results from a G to T substitution at nucleotide position 3935. The glycine at codon 1312 is replaced by valine, an amino acid with dissimilar properties. This amino acid position is not well conserved in available vertebrate species. In addition, in silico predictors for this gene do not accurately predict pathogenicity. Missense variants in APC are not a common cause of disease (Spier I et al. Genet Med. 2024 Feb;26(2):100992). Based on the available evidence, the clinical significance of this variant remains unclear.

Labcorp Genetics (formerly Invitae), Labcorp
Classification: Uncertain significance for Familial adenomatous polyposis 1. Last evaluated: 2021-03-29. Review status: criteria provided, single submitter. Criteria: Invitae Variant Classification Sherloc (09022015). Collection method: clinical testing. Allele origin: germline.
Comment: In summary, the available evidence is currently insufficient to determine the role of this variant in disease. Therefore, it has been classified as a Variant of Uncertain Significance. Algorithms developed to predict the effect of sequence changes on RNA splicing suggest that this variant may create or strengthen a splice site, but this prediction has not been confirmed by published transcriptional studies. Algorithms developed to predict the effect of missense changes on protein structure and function output the following: SIFT: "Tolerated"; PolyPhen-2: "Benign"; Align-GVGD: "Class C0". The valine amino acid residue is found in multiple mammalian species, suggesting that this missense change does not adversely affect protein function. These predictions have not been confirmed by published functional studies and their clinical significance is uncertain. This variant has not been reported in the literature in individuals with APC-related conditions. This variant is not present in population databases (ExAC no frequency). This sequence change replaces glycine with valine at codon 1312 of the APC protein (p.Gly1312Val). The glycine residue is moderately conserved and there is a moderate physicochemical difference between glycine and valine.

NM_000038.6(APC):c.3935G>T (p.Gly1312Val)

Gene: APC (APC regulator of Wnt signaling pathway; plus strand). Cytogenetic location: 5q22.2.
Variant type: single nucleotide variant.
Coding change: c.3935G>T on transcript NM_000038.6 (MANE Select); coding-DNA position 3935, G replaced by T.
Protein change: p.Gly1312Val; replaces glycine 1312 with valine.
Molecular consequence: missense variant.
Genome position (GRCh38, 1-based): chr5:112,839,529, G>T. VCF-style: chr5-112839529-G-T. GRCh37 (hg19) VCF-style: chr5-112175226-G-T.
Other names: c.3935G>T, p.Gly1312Val (NM_001127510.3, NM_001354895.2); c.3881G>T, p.Gly1294Val (NM_001127511.3); c.3989G>T, p.Gly1330Val (NM_001354896.2); c.3965G>T, p.Gly1322Val (NM_001354897.2); c.3860G>T, p.Gly1287Val (NM_001354898.2); c.3851G>T, p.Gly1284Val (NM_001354899.2); c.3812G>T, p.Gly1271Val (NM_001354900.2); c.3758G>T, p.Gly1253Val (NM_001354901.2); and 6 more; short protein forms G1284V, G1221V, G1271V, G1294V, G1312V, G1330V, G1029V, G1152V.
Identifiers: ClinVar variation 1403896 (VCV001403896.9), dbSNP rs587779791, ClinGen allele CA16029970.